The following is an entry in ClinVar:

NM_198334.3(GANAB):c.560+452G>A

Gene: GANAB (glucosidase II alpha subunit; minus strand). Cytogenetic location: 11q12.3.
Variant type: single nucleotide variant.
Coding change: c.560+452G>A on transcript NM_198334.3 (MANE Select); 452 bases into the intron after coding-DNA position 560, G replaced by A.
Molecular consequence: intron variant. On other transcripts: synonymous variant (2).
Genome position (GRCh38, 1-based): chr11:62,634,369, C>T on the plus strand (G>A on the coding strand, the complement: GANAB is on the minus strand). VCF-style: chr11-62634369-C-T. GRCh37 (hg19) VCF-style: chr11-62401841-C-T.
Other names: c.567G>A, p.Ser189= (NM_198335.4); c.218+452G>A (NM_001278193.2); c.269+452G>A (NM_001329223.2, NM_001278194.2, NM_001329222.2); c.-217+452G>A (NM_001329225.2, NM_001329224.2); c.225G>A, p.Ser75= (NM_001278192.2).
Identifiers: ClinVar variation 2972916 (VCV002972916.3), dbSNP rs1438249653, ClinGen allele CA474875801.

ClinVar aggregate classification (germline): Uncertain significance (1 of 4 stars; one submission).

Allele frequency attached by ClinVar (database versions not stated): gnomAD exomes 0.00001.
gnomAD v4.1: 12 of 1,608,494 alleles (0.00075%); highest among the groups gnomAD compares: South Asian, 0.0044%; no homozygotes.

Submission:

Labcorp Genetics (formerly Invitae), Labcorp
Classification: Uncertain significance. Last evaluated: 2023-10-09. Review status: criteria provided, single submitter. Criteria: Invitae Variant Classification Sherloc (09022015). Collection method: clinical testing. Allele origin: germline.
Comment: This sequence change affects codon 189 of the GANAB mRNA. It is a 'silent' change, meaning that it does not change the encoded amino acid sequence of the GANAB protein. This variant is present in population databases (no rsID available, gnomAD 0.006%). This variant has not been reported in the literature in individuals affected with GANAB-related conditions. Algorithms developed to predict the effect of sequence changes on RNA splicing suggest that this variant may disrupt the consensus splice site. In summary, the available evidence is currently insufficient to determine the role of this variant in disease. Therefore, it has been classified as a Variant of Uncertain Significance.